The following is an entry in ClinVar:

ClinVar aggregate classification (germline): Pathogenic (1 of 4 stars; one submission).

Conditions:
Carnitine palmitoyltransferase II deficiency. Also called: Carnitine Palmitoyltransferase 2 Deficiency. Identifiers: Orphanet 157, MedGen C0342790, MONDO:0015515.

Submission:

Labcorp Genetics (formerly Invitae), Labcorp
Classification: Pathogenic for Carnitine palmitoyltransferase II deficiency. Last evaluated: 2024-11-23. Review status: criteria provided, single submitter. Criteria: Invitae Variant Classification Sherloc (09022015). Collection method: clinical testing. Allele origin: germline.
Comment: This sequence change creates a premature translational stop signal (p.Ala15Argfs*44) in the CPT2 gene. It is expected to result in an absent or disrupted protein product. Loss-of-function variants in CPT2 are known to be pathogenic (PMID: 16781677, 16996287). This variant is not present in population databases (gnomAD no frequency). This variant has not been reported in the literature in individuals affected with CPT2-related conditions. For these reasons, this variant has been classified as Pathogenic.

Literature cited by the submitters: PubMed 16781677; PubMed 16996287.

NM_000098.3(CPT2):c.38dup (p.Ala15fs)

Genes: CPT2 (carnitine palmitoyltransferase 2; plus strand), LOC129930561 (ATAC-STARR-seq lymphoblastoid silent region 902; plus strand). Cytogenetic location: 1p32.3.
Variant type: Duplication.
Coding change: c.38dup on transcript NM_000098.3 (MANE Select); coding-DNA position 38, one base duplicated (G; older notation c.38dupG).
Protein change: p.Ala15fs; shifts the reading frame from alanine 15.
Molecular consequence: frameshift variant.
Genome position (GRCh38, 1-based): chr1:53,196,981, G duplicated; the last of 4 consecutive G bases (chr1:53,196,978-53,196,981); duplicating any one gives the same sequence. VCF-style (leftmost placement, unchanged base first): chr1-53196977-C-CG. GRCh37 (hg19) VCF-style: chr1-53662649-C-CG.
Other names: c.38dup, p.Ala15fs (NM_001330589.2); short protein forms A15fs.
Identifiers: ClinVar variation 3725052 (VCV003725052.2).